The following is an entry in ClinVar:

NM_001127208.3(TET2):c.468A>G (p.Gln156=)

Genes: TET2 (tet methylcytosine dioxygenase 2; plus strand), TET2-AS1 (TET2 antisense RNA 1; minus strand). Cytogenetic location: 4q24.
Variant type: single nucleotide variant.
Coding change: c.468A>G on transcript NM_001127208.3 (MANE Select); coding-DNA position 468, A replaced by G.
Protein change: p.Gln156=; no amino-acid change (glutamine 156 retained).
Molecular consequence: synonymous variant.
Genome position (GRCh38, 1-based): chr4:105,234,410, A>G. VCF-style: chr4-105234410-A-G. GRCh37 (hg19) VCF-style: chr4-106155567-A-G.
Other names: c.468A>G, p.Gln156= (NM_017628.4).
Identifiers: ClinVar variation 3006280 (VCV003006280.6), dbSNP rs762666692, ClinGen allele CA3031505.
Genomic context (GRCh38, chr4:105,234,410, plus strand): 5'-CAGTCAACCAAATGTCTCCGATTTGAGTGATAAGAAAGAATCTGTGAGTTCTGTAGCCCA[A>G]GAAAATGCAGTTAAAGATTTCACCAGTTTTTCAACACATAACTGCAGTGGGCCTGAAAAT-3'
Protein context (NP_001120680.1, residues 146-166): DKKESVSSVA[Gln156=]ENAVKDFTSF

ClinVar aggregate classification (germline): Likely benign. Review status: criteria provided, multiple submitters, no conflicts (2 of 4 stars). 3 submissions from 3 submitters: Likely benign (2). 1 of the submissions does not count toward it. Last evaluated 2024-12-12.

Conditions:
TET2-related disorder. Also called: TET2-related condition.

Allele frequency attached by ClinVar (database versions not stated): gnomAD exomes below 0.00001; ExAC 0.00001; gnomAD 0.00001; TOPMed 0.00001.

Submissions (3):

Ambry Genetics
Classification: Likely benign. Last evaluated: 2024-12-12. Review status: criteria provided, single submitter. Criteria: Ambry Variant Classification Scheme 2023. Collection method: clinical testing. Allele origin: germline.

Labcorp Genetics (formerly Invitae), Labcorp
Classification: Likely benign. Last evaluated: 2023-06-30. Review status: criteria provided, single submitter. Criteria: Invitae Variant Classification Sherloc (09022015). Collection method: clinical testing. Allele origin: germline.

PreventionGenetics, part of Exact Sciences
Classification: Likely benign for TET2-related condition. Last evaluated: 2021-06-30. Review status: no assertion criteria provided. Collection method: clinical testing. Allele origin: germline. Not counted in ClinVar's aggregate classification.
Comment: This variant is classified as likely benign based on ACMG/AMP sequence variant interpretation guidelines (Richards et al. 2015 PMID: 25741868, with internal and published modifications).